The following is an entry in ClinVar:

ClinVar aggregate classification (germline): Uncertain significance (1 of 4 stars; one submission).

Submission:

GeneDx
Classification: Uncertain significance. Last evaluated: 2023-03-01. Review status: criteria provided, single submitter. Criteria: GeneDx Variant Classification Process June 2021. Collection method: clinical testing. Allele origin: germline. Affected: yes.
Comment: Not observed at significant frequency in large population cohorts (gnomAD); In silico analysis supports that this missense variant has a deleterious effect on protein structure/function; Has not been previously published as pathogenic or benign to our knowledge

NM_006734.4(HIVEP2):c.3085C>G (p.Arg1029Gly)

Gene: HIVEP2 (HIVEP zinc finger 2; minus strand). Cytogenetic location: 6q24.2.
Variant type: single nucleotide variant.
Coding change: c.3085C>G on transcript NM_006734.4 (MANE Select); coding-DNA position 3085, C replaced by G.
Protein change: p.Arg1029Gly; replaces arginine 1029 with glycine.
Molecular consequence: missense variant.
Genome position (GRCh38, 1-based): chr6:142,771,654, G>C on the plus strand (C>G on the coding strand, the complement: HIVEP2 is on the minus strand). VCF-style: chr6-142771654-G-C. GRCh37 (hg19) VCF-style: chr6-143092791-G-C.
Other names: short protein forms R1029G.
Identifiers: ClinVar variation 2578267 (VCV002578267.1), dbSNP rs1443772947, ClinGen allele CA365905560.